The following is an entry in ClinVar:

ClinVar aggregate classification (germline): Uncertain significance (1 of 4 stars; one submission).

Conditions:
Neurodevelopmental disorder with microcephaly, seizures, and neonatal cholestasis. Identifiers: MedGen C5562052, MONDO:0859216, OMIM 619685.

Submission:

Dasa
Classification: Uncertain significance for Neurodevelopmental disorder with microcephaly, seizures, and neonatal cholestasis. Last evaluated: 2025-09-17. Review status: criteria provided, single submitter. Criteria: DASA Assertion Criteria. Collection method: clinical testing. Allele origin: germline.
Comment: NM_017667.4(VPS50):c.1757G>A (p.Arg586Gln) is a missense variant that results in the substitution of arginine with glutamine. This variant has been observed in affected individuals with VPS50-related disorders. Also, this variant is rare in population databases. The currently available literature and clinical evidence are not sufficient to establish a definitive association between this variant and the reported condition. Therefore, this variant is classified as a variant of uncertain significance.

NM_017667.4(VPS50):c.1757G>A (p.Arg586Gln)

Gene: VPS50 (VPS50 subunit of EARP/GARPII complex; plus strand). Cytogenetic location: 7q21.3.
Variant type: single nucleotide variant.
Coding change: c.1757G>A on transcript NM_017667.4 (MANE Select); coding-DNA position 1757, G replaced by A.
Protein change: p.Arg586Gln; replaces arginine 586 with glutamine.
Molecular consequence: missense variant.
Genome position (GRCh38, 1-based): chr7:93,311,174, G>A. VCF-style: chr7-93311174-G-A. GRCh37 (hg19) VCF-style: chr7-92940486-G-A.
Other names: c.1667G>A, p.Arg556Gln (NM_001257998.2); short protein forms R556Q, R586Q.
Identifiers: ClinVar variation 4881328 (VCV004881328.2).
Genomic context (GRCh38, chr7:93,311,174, plus strand): 5'-TGGTTTATTACTTGACAACTCTAGCAACTCTGTTTTGTTTTTCCATATCAAGTGTTTCTC[G>A]GGAAACTCTAAAAAGCAGGAAGAAATCAGATTACAGTCTAAATAAAGTGAATGCACCTAT-3'
Protein context (NP_060137.2, residues 576-596): TGDGPVKSVS[Arg586Gln]ETLKSRKKSD